The following is an entry in ClinVar:

ClinVar aggregate classification (germline): Uncertain significance. Review status: criteria provided, multiple submitters, no conflicts (2 of 4 stars). 2 submissions from 2 submitters: Uncertain significance (2). Last evaluated 2024-03-04.

Conditions:
Joubert syndrome 3 (JBTS3). Also called: AHI1-related Ciliopathy. Identifiers: Orphanet 220493, MedGen C1837713, MONDO:0012078, OMIM 608629.
Joubert syndrome. Also called: CEREBELLOPARENCHYMAL DISORDER IV; JOUBERT-BOLTSHAUSER SYNDROME; Familial aplasia of the vermis. Identifiers: Orphanet 475, MedGen C5979921, MONDO:0018772.

Allele frequency attached by ClinVar (database versions not stated): gnomAD exomes 0.00002 and 0.00001; TOPMed 0.00001; gnomAD 0.00002; ExAC 0.00001.
gnomAD v4.1: 18 of 1,612,270 alleles (0.0011%); highest among the groups gnomAD compares: Non-Finnish European, 0.0015%; no homozygotes.

Submissions (2):

Fulgent Genetics
Classification: Uncertain significance for Joubert syndrome 3. Last evaluated: 2024-03-04. Review status: criteria provided, single submitter. Criteria: ACMG Guidelines, 2015. Collection method: clinical testing. Allele origin: germline.

Labcorp Genetics (formerly Invitae), Labcorp
Classification: Uncertain significance for Joubert syndrome. Last evaluated: 2022-08-19. Review status: criteria provided, single submitter. Criteria: Invitae Variant Classification Sherloc (09022015). Collection method: clinical testing. Allele origin: germline.
Comment: This sequence change replaces aspartic acid, which is acidic and polar, with alanine, which is neutral and non-polar, at codon 65 of the AHI1 protein (p.Asp65Ala). This variant is present in population databases (rs764230638, gnomAD 0.005%). This variant has not been reported in the literature in individuals affected with AHI1-related conditions. ClinVar contains an entry for this variant (Variation ID: 1377989). Advanced modeling of protein sequence and biophysical properties (such as structural, functional, and spatial information, amino acid conservation, physicochemical variation, residue mobility, and thermodynamic stability) performed at Invitae indicates that this missense variant is not expected to disrupt AHI1 protein function. In summary, the available evidence is currently insufficient to determine the role of this variant in disease. Therefore, it has been classified as a Variant of Uncertain Significance.

NM_001134831.2(AHI1):c.194A>C (p.Asp65Ala)

Gene: AHI1 (Abelson helper integration site 1; minus strand). Cytogenetic location: 6q23.3.
Variant type: single nucleotide variant.
Coding change: c.194A>C on transcript NM_001134831.2 (MANE Select); coding-DNA position 194, A replaced by C.
Protein change: p.Asp65Ala; replaces aspartic acid 65 with alanine.
Molecular consequence: missense variant.
Genome position (GRCh38, 1-based): chr6:135,466,369, T>G on the plus strand (A>C on the coding strand, the complement: AHI1 is on the minus strand). VCF-style: chr6-135466369-T-G. GRCh37 (hg19) VCF-style: chr6-135787507-T-G.
Other names: c.194A>C, p.Asp65Ala (NM_001134830.2, NM_001134832.2, NM_001350503.2 and 2 more transcripts); c.194A>C (NM_017651.4); short protein forms D65A.
Identifiers: ClinVar variation 1377989 (VCV001377989.6), dbSNP rs764230638, ClinGen allele CA4012877.